The following is an entry in ClinVar:

ClinVar aggregate classification (germline): Pathogenic. Review status: criteria provided, multiple submitters, no conflicts (2 of 4 stars). 2 submissions from 2 submitters: Pathogenic (2). Last evaluated 2024-06-18.

Conditions:
Polycystic kidney disease, adult type (PKD1). Also called: Polycystic Kidney, Autosomal Dominant; POLYCYSTIC KIDNEY DISEASE, ADULT, TYPE I; Polycystic Kidney Disease 1, Autosomal Dominant; Polycystic kidney disease 1; Polycystic kidney disease 1, severe; POLYCYSTIC KIDNEY DISEASE 1 WITH OR WITHOUT POLYCYSTIC LIVER DISEASE. Identifiers: MedGen C3149841, MONDO:0008263, OMIM 173900.

Submissions (2):

Fulgent Genetics
Classification: Pathogenic for Polycystic kidney disease, adult type. Last evaluated: 2024-06-18. Review status: criteria provided, single submitter. Criteria: ACMG Guidelines, 2015. Collection method: clinical testing. Allele origin: germline.

Diagnostics Services (NGS), CSIR - Centre For Cellular And Molecular Biology
Classification: Pathogenic for Polycystic kidney disease, adult type. Last evaluated: 2021-10-05. Review status: criteria provided, single submitter. Criteria: ACMG Guidelines, 2015. Collection method: clinical testing. Allele origin: unknown. Inheritance: Autosomal dominant inheritance. Affected: yes. Observed: 1 variant allele, 1 heterozygote.
Comment: The c.8712dup variant is not present in publicly available population databases like 1000 Genomes, Exome Variant Server (EVS), Exome Aggregation Consortium (ExAC), Genome Aggregation Database (gnomAD) and dbSNP. The variant is not present in Indian Exome Database and in our in-house exome database. The variant was not earlier reported to ClinVar, Human Genome Mutation Database (HGMD) and OMIM databases. In-silico pathogenicity prediction programs like MutationTaster2, CADD, Varsome etc. predicted this variant to be likely deleterious.

NM_001009944.3(PKD1):c.8712dup (p.Val2905fs)

Gene: PKD1 (polycystin 1, transient receptor potential channel interacting; minus strand). Cytogenetic location: 16p13.3.
Variant type: Duplication.
Coding change: c.8712dup on transcript NM_001009944.3 (MANE Select); coding-DNA position 8712, one base duplicated (C; older notation c.8712dupC).
Protein change: p.Val2905fs; shifts the reading frame from valine 2905.
Molecular consequence: frameshift variant.
Genome position (GRCh38, 1-based): chr16:2,103,345, G duplicated on the plus strand (C on the coding strand, the reverse complement: PKD1 is on the minus strand); the first of 2 consecutive G bases (chr16:2,103,345-2,103,346); duplicating either gives the same sequence. VCF-style (leftmost placement, unchanged base first): chr16-2103344-C-CG. GRCh37 (hg19) VCF-style: chr16-2153345-C-CG.
Other names: c.8712dup, p.Val2905fs (NM_000296.4); short protein forms V2905fs.
Identifiers: ClinVar variation 1329472 (VCV001329472.5), dbSNP rs2151754069, ClinGen allele CA2573054175.